The following is an entry in ClinVar:

NM_014000.3(VCL):c.2410G>A (p.Val804Met)

Gene: VCL (vinculin; plus strand). Cytogenetic location: 10q22.2.
Variant type: single nucleotide variant.
Coding change: c.2410G>A on transcript NM_014000.3 (MANE Select); coding-DNA position 2410, G replaced by A.
Protein change: p.Val804Met; replaces valine 804 with methionine.
Molecular consequence: missense variant.
Genome position (GRCh38, 1-based): chr10:74,105,329, G>A. VCF-style: chr10-74105329-G-A. GRCh37 (hg19) VCF-style: chr10-75865087-G-A.
Other names: c.2410G>A, p.Val804Met (NM_003373.4); short protein forms V804M.
Identifiers: ClinVar variation 3624439 (VCV003624439.2).

ClinVar aggregate classification (germline): Uncertain significance (1 of 4 stars; one submission).

Conditions:
Dilated cardiomyopathy 1W (CMD1W). Identifiers: Orphanet 154, MedGen C1969639, MONDO:0012667, OMIM 611407.

gnomAD v4.1: 23 of 1,612,554 alleles (0.0014%); highest among the groups gnomAD compares: Non-Finnish European, 0.0019%; no homozygotes.

Submission:

Labcorp Genetics (formerly Invitae), Labcorp
Classification: Uncertain significance for Dilated cardiomyopathy 1W. Last evaluated: 2025-06-27. Review status: criteria provided, single submitter. Criteria: Invitae Variant Classification Sherloc (09022015). Collection method: clinical testing. Allele origin: germline.
Comment: This sequence change replaces valine, which is neutral and non-polar, with methionine, which is neutral and non-polar, at codon 804 of the VCL protein (p.Val804Met). This variant is not present in population databases (gnomAD no frequency). This variant has not been reported in the literature in individuals affected with VCL-related conditions. ClinVar contains an entry for this variant (Variation ID: 3624439). An algorithm developed to predict the effect of missense changes on protein structure and function (PolyPhen-2) suggests that this variant is likely to be disruptive. In summary, the available evidence is currently insufficient to determine the role of this variant in disease. Therefore, it has been classified as a Variant of Uncertain Significance.